The following is an entry in ClinVar:

ClinVar aggregate classification (germline): Uncertain significance (1 of 4 stars; one submission).

Submission:

Mayo Clinic Laboratories, Mayo Clinic
Classification: Uncertain significance. Last evaluated: 2024-01-19. Review status: criteria provided, single submitter. Criteria: ACMG Guidelines, 2015. Collection method: clinical testing. Allele origin: germline. Observed: 1 variant allele.
Comment: PM2_moderate

NM_033109.5(PNPT1):c.1532T>C (p.Ile511Thr)

Gene: PNPT1 (polyribonucleotide nucleotidyltransferase 1; minus strand). Cytogenetic location: 2p16.1.
Variant type: single nucleotide variant.
Coding change: c.1532T>C on transcript NM_033109.5 (MANE Select); coding-DNA position 1532, T replaced by C.
Protein change: p.Ile511Thr; replaces isoleucine 511 with threonine.
Molecular consequence: missense variant.
Genome position (GRCh38, 1-based): chr2:55,647,417, A>G on the plus strand (T>C on the coding strand, the complement: PNPT1 is on the minus strand). VCF-style: chr2-55647417-A-G. GRCh37 (hg19) VCF-style: chr2-55874552-A-G.
Other names: p.Ile511Thr; short protein forms I511T.
Identifiers: ClinVar variation 3380811 (VCV003380811.1).